The following is an entry in ClinVar:

ClinVar aggregate classification (germline): Uncertain significance. Review status: criteria provided, multiple submitters, no conflicts (2 of 4 stars). 4 submissions from 4 submitters: Uncertain significance (4). Last evaluated 2025-12-09.

Conditions:
Hereditary cancer-predisposing syndrome. Also called: Tumor predisposition; Hereditary neoplastic syndrome; Hereditary Cancer Syndrome; Neoplastic Syndromes, Hereditary. Identifiers: Orphanet 140162, MedGen C0027672, MeSH D009386, MONDO:0015356.
Familial cancer of breast. Also called: BREAST CANCER, FAMILIAL; Hereditary breast cancer; hereditary breast carcinoma. Identifiers: Orphanet 227535, MedGen C0346153, MONDO:0016419, OMIM 114480. Disease mechanism: loss of function.

Submissions (4):

Labcorp Genetics (formerly Invitae), Labcorp
Classification: Uncertain significance for Familial cancer of breast. Last evaluated: 2025-12-09. Review status: criteria provided, single submitter. Criteria: Invitae Variant Classification Sherloc (09022015). Collection method: clinical testing. Allele origin: germline.
Comment: This sequence change replaces serine, which is neutral and polar, with cysteine, which is neutral and slightly polar, at codon 552 of the BARD1 protein (p.Ser552Cys). This variant is not present in population databases (gnomAD no frequency). This variant has not been reported in the literature in individuals affected with BARD1-related conditions. ClinVar contains an entry for this variant (Variation ID: 233753). An algorithm developed to predict the effect of missense changes on protein structure and function (PolyPhen-2) suggests that this variant is likely to be tolerated. In summary, the available evidence is currently insufficient to determine the role of this variant in disease. Therefore, it has been classified as a Variant of Uncertain Significance.

Ambry Genetics
Classification: Uncertain significance for Hereditary cancer-predisposing syndrome. Last evaluated: 2025-10-22. Review status: criteria provided, single submitter. Criteria: Ambry Variant Classification Scheme 2023. Collection method: clinical testing. Allele origin: germline.
Comment: The p.S552C variant (also known as c.1655C>G), located in coding exon 7 of the BARD1 gene, results from a C to G substitution at nucleotide position 1655. The serine at codon 552 is replaced by cysteine, an amino acid with dissimilar properties. This amino acid position is not well conserved in available vertebrate species. In addition, this alteration is predicted to be tolerated by in silico analysis. Since supporting evidence is limited at this time, the clinical significance of this alteration remains unclear.

GeneDx
Classification: Uncertain significance. Last evaluated: 2025-06-12. Review status: criteria provided, single submitter. Criteria: GeneDx Variant Classification Process June 2021. Collection method: clinical testing. Allele origin: germline.
Comment: Not observed at significant frequency in large population cohorts (gnomAD); In silico analysis supports that this missense variant does not alter protein structure/function; Has not been previously published as pathogenic or benign to our knowledge

Quest Diagnostics Nichols Institute San Juan Capistrano
Classification: Uncertain significance. Last evaluated: 2021-06-25. Review status: criteria provided, single submitter. Criteria: Quest Diagnostics criteria. Collection method: clinical testing. Allele origin: unknown.

NM_000465.4(BARD1):c.1655C>G (p.Ser552Cys)

Gene: BARD1 (BRCA1 associated RING domain 1; minus strand). Cytogenetic location: 2q35.
Variant type: single nucleotide variant.
Coding change: c.1655C>G on transcript NM_000465.4 (MANE Select); coding-DNA position 1655, C replaced by G.
Protein change: p.Ser552Cys; replaces serine 552 with cysteine.
Molecular consequence: missense variant. On other transcripts: non-coding transcript variant (3), intron variant (1).
Genome position (GRCh38, 1-based): chr2:214,752,469, G>C on the plus strand (C>G on the coding strand, the complement: BARD1 is on the minus strand). VCF-style: chr2-214752469-G-C. GRCh37 (hg19) VCF-style: chr2-215617193-G-C.
Other names: c.1598C>G, p.Ser533Cys (NM_001282543.2); c.302C>G, p.Ser101Cys (NM_001282545.2); c.245C>G, p.Ser82Cys (NM_001282548.2); c.365-21961C>G (NM_001282549.2); short protein forms S552C, S533C, S82C, S101C.
Identifiers: ClinVar variation 233753 (VCV000233753.20), dbSNP rs876660617, ClinGen allele CA10577792.